The following is an entry in ClinVar:

NM_174934.4(SCN4B):c.234+1G>C

Gene: SCN4B (sodium voltage-gated channel beta subunit 4; minus strand). Cytogenetic location: 11q23.3.
Variant type: single nucleotide variant.
Coding change: c.234+1G>C on transcript NM_174934.4 (MANE Select); the canonical splice donor site of the intron after coding-DNA position 234, G replaced by C.
Molecular consequence: splice donor variant. On other transcripts: intron variant (1).
Genome position (GRCh38, 1-based): chr11:118,145,056, C>G on the plus strand (G>C on the coding strand, the complement: SCN4B is on the minus strand). VCF-style: chr11-118145056-C-G. GRCh37 (hg19) VCF-style: chr11-118015771-C-G.
Other names: c.62-3720G>C (NM_001142348.2); c.-97+1G>C (NM_001142349.2).
Identifiers: ClinVar variation 1789849 (VCV001789849.2), dbSNP rs1341627207, ClinGen allele CA382778477.

ClinVar aggregate classification (germline): Uncertain significance (1 of 4 stars; one submission).

Conditions:
Cardiovascular phenotype. Identifiers: MedGen CN230736.

Submission:

Ambry Genetics
Classification: Uncertain significance for Cardiovascular phenotype. Last evaluated: 2021-10-13. Review status: criteria provided, single submitter. Criteria: Ambry Variant Classification Scheme 2023. Collection method: clinical testing. Allele origin: germline.
Comment: The c.234+1G>C intronic variant results from a G to C substitution one nucleotide after coding exon 2 of the SCN4B gene. This nucleotide position is highly conserved in available vertebrate species. In silico splice site analysis predicts that this alteration will weaken the native splice donor site. Alterations that disrupt the canonical splice site are expected to cause aberrant splicing, resulting in an abnormal protein or a transcript that is subject to nonsense-mediated mRNA decay. However, loss of function of SCN4B has not been clearly established as a mechanism of disease. Since supporting evidence is limited at this time, the clinical significance of this alteration remains unclear.